The following is an entry in ClinVar:

NM_001375567.1(FOCAD):c.4259T>A (p.Phe1420Tyr)

Gene: FOCAD (focadhesin; plus strand). Cytogenetic location: 9p21.3.
Variant type: single nucleotide variant.
Coding change: c.4259T>A on transcript NM_001375567.1 (MANE Select); coding-DNA position 4259, T replaced by A.
Protein change: p.Phe1420Tyr; replaces phenylalanine 1420 with tyrosine.
Molecular consequence: missense variant.
Genome position (GRCh38, 1-based): chr9:20,976,546, T>A. VCF-style: chr9-20976546-T-A. GRCh37 (hg19) VCF-style: chr9-20976545-T-A.
Other names: c.4154T>A, p.Phe1385Tyr (NM_001375568.1, NM_001375570.1); c.4259T>A, p.Phe1420Tyr (NM_017794.5); short protein forms F1385Y, F1420Y.
Identifiers: ClinVar variation 2634649 (VCV002634649.1), dbSNP rs755254386, ClinGen allele CA5007874.
Genomic context (GRCh38, chr9:20,976,546, plus strand): 5'-GCTACCAATATCCTCCTGTGAACTGGGCTGCACTTCTCTCTCCACTTATGAGGCTAAATT[T>A]TGGTAAATATCATGTGTTTTTAAGTCTTCAGACTTTGATTTTAGTATTTGACCTGAATGG-3'
Protein context (NP_001362496.1, residues 1410-1430): ALLSPLMRLN[Phe1420Tyr]GEEIQQLCLE

ClinVar aggregate classification (germline): Uncertain significance (1 of 4 stars; one submission).

Conditions:
FOCAD-related disorder. Also called: FOCAD-related condition.

Allele frequency attached by ClinVar (database versions not stated): ExAC 0.00001; gnomAD 0.00001; gnomAD exomes 0.00001; TOPMed 0.00001.
gnomAD v4.1: 16 of 1,612,636 alleles (0.00099%); highest among the groups gnomAD compares: Non-Finnish European, 0.0014%; no homozygotes.

Submission:

PreventionGenetics, part of Exact Sciences
Classification: Uncertain significance for FOCAD-related condition. Last evaluated: 2023-01-23. Review status: criteria provided, single submitter. Criteria: ACMG Guidelines, 2015. Collection method: clinical testing. Allele origin: germline.
Comment: The FOCAD c.4259T>A variant is predicted to result in the amino acid substitution p.Phe1420Tyr. To our knowledge, this variant has not been reported in the literature. This variant is reported in 0.0023% of alleles in individuals of European (Non-Finnish) descent in gnomAD. At this time, the clinical significance of this variant is uncertain due to the absence of conclusive functional and genetic evidence.